The following is an entry in ClinVar:

NM_001312673.2(PCYT1A):c.848G>A (p.Arg283Gln)

Gene: PCYT1A (phosphate cytidylyltransferase 1A, choline; minus strand). Cytogenetic location: 3q29.
Variant type: single nucleotide variant.
Coding change: c.848G>A on transcript NM_001312673.2 (MANE Select); coding-DNA position 848, G replaced by A.
Protein change: p.Arg283Gln; replaces arginine 283 with glutamine.
Molecular consequence: missense variant.
Genome position (GRCh38, 1-based): chr3:196,239,596, C>T on the plus strand (G>A on the coding strand, the complement: PCYT1A is on the minus strand). VCF-style: chr3-196239596-C-T. GRCh37 (hg19) VCF-style: chr3-195966467-C-T.
Other names: c.848G>A, p.Arg283Gln (NM_005017.4); short protein forms R283Q.
Identifiers: ClinVar variation 1014923 (VCV001014923.2), dbSNP rs1282668916, ClinGen allele CA355608487.

ClinVar aggregate classification (germline): Uncertain significance (1 of 4 stars; one submission).

Allele frequency attached by ClinVar (database versions not stated): gnomAD exomes below 0.00001; TOPMed 0.00001.
gnomAD v4.1: 5 of 1,613,322 alleles (0.00031%); highest among the groups gnomAD compares: Non-Finnish European, 0.00042%; no homozygotes.

Submission:

Labcorp Genetics (formerly Invitae), Labcorp
Classification: Uncertain significance. Last evaluated: 2022-07-05. Review status: criteria provided, single submitter. Criteria: Invitae Variant Classification Sherloc (09022015). Collection method: clinical testing. Allele origin: germline.
Comment: This sequence change replaces arginine, which is basic and polar, with glutamine, which is neutral and polar, at codon 283 of the PCYT1A protein (p.Arg283Gln). This variant is present in population databases (no rsID available, gnomAD 0.0009%). This variant has not been reported in the literature in individuals affected with PCYT1A-related conditions. ClinVar contains an entry for this variant (Variation ID: 1014923). Advanced modeling of protein sequence and biophysical properties (such as structural, functional, and spatial information, amino acid conservation, physicochemical variation, residue mobility, and thermodynamic stability) performed at Invitae indicates that this missense variant is not expected to disrupt PCYT1A protein function. In summary, the available evidence is currently insufficient to determine the role of this variant in disease. Therefore, it has been classified as a Variant of Uncertain Significance.